The following is an entry in ClinVar:

NM_001320.7(CSNK2B):c.229G>A (p.Glu77Lys)

Gene: CSNK2B (casein kinase 2 beta; plus strand). Cytogenetic location: 6p21.33.
Variant type: single nucleotide variant.
Coding change: c.229G>A on transcript NM_001320.7 (MANE Select); coding-DNA position 229, G replaced by A.
Protein change: p.Glu77Lys; replaces glutamic acid 77 with lysine.
Molecular consequence: missense variant.
Genome position (GRCh38, 1-based): chr6:31,668,592, G>A. VCF-style: chr6-31668592-G-A. GRCh37 (hg19) VCF-style: chr6-31636369-G-A.
Other names: c.229G>A, p.Glu77Lys (NM_001282385.2); short protein forms E77K.
Identifiers: ClinVar variation 1197434 (VCV001197434.4), dbSNP rs1583608433, ClinGen allele CA363473161.

ClinVar aggregate classification (germline): Conflicting classifications of pathogenicity. Review status: criteria provided, conflicting classifications (1 of 4 stars). 2 submissions from 2 submitters: Pathogenic (1); Uncertain significance (1). Last evaluated 2023-12-22.

Conditions:
Poirier-Bienvenu neurodevelopmental syndrome (POBINDS). Identifiers: Orphanet 689397, MedGen C5231482, MONDO:0032889, OMIM 618732.

Submissions (2):

Laboratorio de Genetica e Diagnostico Molecular, Hospital Israelita Albert Einstein
Classification: Uncertain significance for Poirier-Bienvenu neurodevelopmental syndrome. Last evaluated: 2023-12-22. Review status: criteria provided, single submitter. Criteria: ACMG Guidelines, 2015. Collection method: clinical testing. Allele origin: germline. Affected: yes.
Comment: ACMG classification criteria: PS4 supporting, PM2 moderate, BP4 supporting

GeneDx
Classification: Pathogenic. Last evaluated: 2023-05-31. Review status: criteria provided, single submitter. Criteria: GeneDx Variant Classification Process June 2021. Collection method: clinical testing. Allele origin: germline. Affected: yes.
Comment: Not observed at significant frequency in large population cohorts (gnomAD); In silico analysis supports that this missense variant has a deleterious effect on protein structure/function; This variant is associated with the following publications: (PMID: 34041744)